The following is an entry in ClinVar:

NM_004360.5(CDH1):c.2180T>A (p.Leu727His)

Gene: CDH1 (cadherin 1; plus strand). Cytogenetic location: 16q22.1.
Variant type: single nucleotide variant.
Coding change: c.2180T>A on transcript NM_004360.5 (MANE Select); coding-DNA position 2180, T replaced by A.
Protein change: p.Leu727His; replaces leucine 727 with histidine.
Molecular consequence: missense variant.
Genome position (GRCh38, 1-based): chr16:68,828,189, T>A. VCF-style: chr16-68828189-T-A. GRCh37 (hg19) VCF-style: chr16-68862092-T-A.
Other names: c.1997T>A, p.Leu666His (NM_001317184.2); c.632T>A, p.Leu211His (NM_001317185.2); c.215T>A, p.Leu72His (NM_001317186.2); short protein forms L211H, L666H, L727H, L72H.
Identifiers: ClinVar variation 1787266 (VCV001787266.2), dbSNP rs2543953333, ClinGen allele CA396469319.

ClinVar aggregate classification (germline): Uncertain significance (1 of 4 stars; one submission).

Conditions:
Hereditary cancer-predisposing syndrome. Also called: Neoplastic Syndromes, Hereditary; Tumor predisposition; Hereditary Cancer Syndrome; Hereditary neoplastic syndrome. Identifiers: Orphanet 140162, MedGen C0027672, MeSH D009386, MONDO:0015356.

Submission:

Ambry Genetics
Classification: Uncertain significance for Hereditary cancer-predisposing syndrome. Last evaluated: 2021-06-09. Review status: criteria provided, single submitter. Criteria: Ambry Variant Classification Scheme 2023. Collection method: clinical testing. Allele origin: germline.
Comment: The p.L727H variant (also known as c.2180T>A), located in coding exon 14 of the CDH1 gene, results from a T to A substitution at nucleotide position 2180. The leucine at codon 727 is replaced by histidine, an amino acid with similar properties. This amino acid position is well conserved in available vertebrate species. In addition, the in silico prediction for this alteration is inconclusive. Since supporting evidence is limited at this time, the clinical significance of this alteration remains unclear.